The following is an entry in ClinVar:

NC_000001.10:g.(?_197398094)_(197398754_?)del

Gene: CRB1 (crumbs cell polarity complex component 1; plus strand). Cytogenetic location: 1q31.3.
Variant type: Deletion.
Identifiers: ClinVar variation 1459420 (VCV001459420.4).

ClinVar aggregate classification (germline): Pathogenic (1 of 4 stars; one submission).

Conditions:
Leber congenital amaurosis 8 (LCA8). Identifiers: Orphanet 65, MedGen C3151202, MONDO:0013453, OMIM 613835.
Retinitis pigmentosa 12 (RP12). Also called: RP WITH OR WITHOUT PRESERVED PARAARTERIOLE RETINAL PIGMENT EPITHELIUM; RETINITIS PIGMENTOSA WITH OR WITHOUT PARAARTERIOLAR PRESERVATION OF RETINAL PIGMENT EPITHELIUM; RP WITH OR WITHOUT PPRPE. Identifiers: Orphanet 791, MedGen C1838647, MONDO:0010818, OMIM 600105.

Submission:

Labcorp Genetics (formerly Invitae), Labcorp
Classification: Pathogenic for Leber congenital amaurosis 8; Retinitis pigmentosa 12. Last evaluated: 2021-10-03. Review status: criteria provided, single submitter. Criteria: Invitae Variant Classification Sherloc (09022015). Collection method: clinical testing. Allele origin: germline.
Comment: For these reasons, this variant has been classified as Pathogenic. This variant has not been reported in the literature in individuals affected with CRB1-related conditions. This variant is a gross deletion of the genomic region encompassing exon(s) 8 of the CRB1 gene. This deletion is out-of-frame, and is expected to create a premature termination codon and result in an absent or disrupted protein product. Loss-of-function variants in CRB1 are known to be pathogenic (PMID: 10508521, 22065545, 23379534, 25412400, 26957898, 28041643, 29391521).

Literature cited by the submitters: PubMed 10508521; PubMed 22065545; PubMed 23379534; PubMed 25412400; PubMed 26957898; PubMed 28041643; PubMed 29391521.